The following is an entry in ClinVar:

NM_006767.4(LZTR1):c.2401A>G (p.Thr801Ala)

Gene: LZTR1 (leucine zipper like post translational regulator 1; plus strand). Cytogenetic location: 22q11.21.
Variant type: single nucleotide variant.
Coding change: c.2401A>G on transcript NM_006767.4 (MANE Select); coding-DNA position 2401, A replaced by G.
Protein change: p.Thr801Ala; replaces threonine 801 with alanine.
Molecular consequence: missense variant.
Genome position (GRCh38, 1-based): chr22:20,996,961, A>G. VCF-style: chr22-20996961-A-G. GRCh37 (hg19) VCF-style: chr22-21351250-A-G.
Other names: short protein forms T801A.
Identifiers: ClinVar variation 3702605 (VCV003702605.2).

ClinVar aggregate classification (germline): Uncertain significance (1 of 4 stars; one submission).

gnomAD v4.1: 1 of 1,613,730 alleles (0.000062%); highest among the groups gnomAD compares: South Asian, 0.0011%; no homozygotes.

Submission:

Labcorp Genetics (formerly Invitae), Labcorp
Classification: Uncertain significance. Last evaluated: 2024-10-29. Review status: criteria provided, single submitter. Criteria: Invitae Variant Classification Sherloc (09022015). Collection method: clinical testing. Allele origin: germline.
Comment: This sequence change replaces threonine, which is neutral and polar, with alanine, which is neutral and non-polar, at codon 801 of the LZTR1 protein (p.Thr801Ala). This variant is not present in population databases (gnomAD no frequency). This variant has not been reported in the literature in individuals affected with LZTR1-related conditions. Invitae Evidence Modeling of protein sequence and biophysical properties (such as structural, functional, and spatial information, amino acid conservation, physicochemical variation, residue mobility, and thermodynamic stability) indicates that this missense variant is not expected to disrupt LZTR1 protein function with a negative predictive value of 80%. In summary, the available evidence is currently insufficient to determine the role of this variant in disease. Therefore, it has been classified as a Variant of Uncertain Significance.